The following is an entry in ClinVar:

NM_001379110.1(SLC9A6):c.1921C>T (p.Arg641Trp)

Gene: SLC9A6 (solute carrier family 9 member A6; plus strand). Cytogenetic location: Xq26.3.
Variant type: single nucleotide variant.
Coding change: c.1921C>T on transcript NM_001379110.1 (MANE Select); coding-DNA position 1921, C replaced by T.
Protein change: p.Arg641Trp; replaces arginine 641 with tryptophan.
Molecular consequence: missense variant.
Genome position (GRCh38, 1-based): chrX:136,044,605, C>T. VCF-style: chrX-136044605-C-T. GRCh37 (hg19) VCF-style: chrX-135126764-C-T.
Other names: c.1987C>T, p.Arg663Trp (NM_001042537.2); c.1831C>T, p.Arg611Trp (NM_001177651.2, NM_001400909.1, NM_001400910.1 and 2 more transcripts); c.1735C>T, p.Arg579Trp (NM_001330652.2, NM_001400913.1); c.1891C>T, p.Arg631Trp (NM_006359.3); short protein forms R641W, R631W, R579W, R611W, R663W.
Identifiers: ClinVar variation 2845137 (VCV002845137.3), dbSNP rs2521485746, ClinGen allele CA414757093.

ClinVar aggregate classification (germline): Uncertain significance (1 of 4 stars; one submission).

Conditions:
Christianson syndrome (MRXSCH). Also called: X-linked mental retardation, syndromic, Christianson type; INTELLECTUAL DEVELOPMENTAL DISORDER, X-LINKED, SYNDROMIC, CHRISTIANSON TYPE; SLC9A6-Related Syndromic Mental Retardation. Identifiers: Orphanet 85278, MedGen C2678194, MONDO:0010278, OMIM 300243.

Allele frequency attached by ClinVar (database versions not stated): gnomAD exomes below 0.00001.
gnomAD v4.1: 1 of 1,210,893 alleles (0.000083%); highest among the groups gnomAD compares: Admixed American, 0.0022%; no homozygotes.

Submission:

Labcorp Genetics (formerly Invitae), Labcorp
Classification: Uncertain significance for Christianson syndrome. Last evaluated: 2023-03-12. Review status: criteria provided, single submitter. Criteria: Invitae Variant Classification Sherloc (09022015). Collection method: clinical testing. Allele origin: germline.
Comment: In summary, the available evidence is currently insufficient to determine the role of this variant in disease. Therefore, it has been classified as a Variant of Uncertain Significance. This variant has not been reported in the literature in individuals affected with SLC9A6-related conditions. This variant is not present in population databases (gnomAD no frequency). This sequence change replaces arginine, which is basic and polar, with tryptophan, which is neutral and slightly polar, at codon 631 of the SLC9A6 protein (p.Arg631Trp). An algorithm developed to predict the effect of missense changes on protein structure and function (PolyPhen-2) suggests that this variant is likely to be disruptive.